The following is an entry in ClinVar:

ClinVar aggregate classification (germline): Uncertain significance (1 of 4 stars; one submission).

Conditions:
Alstrom syndrome (ALMS). Identifiers: Orphanet 64, MedGen C0268425, MONDO:0008763, OMIM 203800.

Allele frequency attached by ClinVar (database versions not stated): gnomAD exomes below 0.00001.
gnomAD v4.1: 1 of 1,614,068 alleles (0.000062%); highest among the groups gnomAD compares: Admixed American, 0.0017%; no homozygotes.

Submission:

Labcorp Genetics (formerly Invitae), Labcorp
Classification: Uncertain significance for Alstrom syndrome. Last evaluated: 2022-04-29. Review status: criteria provided, single submitter. Criteria: Invitae Variant Classification Sherloc (09022015). Collection method: clinical testing. Allele origin: germline.
Comment: This sequence change replaces leucine, which is neutral and non-polar, with phenylalanine, which is neutral and non-polar, at codon 3630 of the ALMS1 protein (p.Leu3630Phe). This variant is not present in population databases (gnomAD no frequency). This variant has not been reported in the literature in individuals affected with ALMS1-related conditions. Experimental studies and prediction algorithms are not available or were not evaluated, and the functional significance of this variant is currently unknown. In summary, the available evidence is currently insufficient to determine the role of this variant in disease. Therefore, it has been classified as a Variant of Uncertain Significance.

NM_001378454.1(ALMS1):c.10885C>T (p.Leu3629Phe)

Gene: ALMS1 (ALMS1 centrosome and basal body associated protein; plus strand). Cytogenetic location: 2p13.1.
Variant type: single nucleotide variant.
Coding change: c.10885C>T on transcript NM_001378454.1 (MANE Select); coding-DNA position 10885, C replaced by T.
Protein change: p.Leu3629Phe; replaces leucine 3629 with phenylalanine.
Molecular consequence: missense variant.
Genome position (GRCh38, 1-based): chr2:73,572,762, C>T. VCF-style: chr2-73572762-C-T. GRCh37 (hg19) VCF-style: chr2-73799889-C-T.
Other names: c.10888C>T, p.Leu3630Phe (NM_015120.4); short protein forms L3629F, L3630F.
Identifiers: ClinVar variation 2199338 (VCV002199338.1), dbSNP rs2466445146, ClinGen allele CA347286020.
Genomic context (GRCh38, chr2:73,572,762, plus strand): 5'-CAGAGGCAACAGAGACAGCCTGAGTTGGGTGACAGGAAAGAACTGTCCTTGGTGGACCGA[C>T]TTGATCGTTTGGCTAAAATTCTTCAGAATCCAATCACACATTCTCTCCAGGTCTCAGAAA-3'
Protein context (NP_001365383.1, residues 3619-3639): DRKELSLVDR[Leu3629Phe]DRLAKILQNP